The following is an entry in ClinVar:

ClinVar aggregate classification (germline): Uncertain significance. Review status: criteria provided, multiple submitters, no conflicts (2 of 4 stars). 4 submissions from 4 submitters: Uncertain significance (4). Last evaluated 2026-08-01.

Conditions:
Neuromuscular disease caused by qualitative or quantitative defects of dysferlin. Also called: Dysferlinopathy; Qualitative or quantitative defects of dysferlin. Identifiers: Orphanet 207073, MedGen C2931687, MONDO:0016145.

Allele frequency attached by ClinVar (database versions not stated): ExAC 0.00004; TOPMed 0.00004; gnomAD 0.00005.
gnomAD v4.1: 161 of 1,613,964 alleles (0.01%); highest among the groups gnomAD compares: Non-Finnish European, 0.013%; no homozygotes.

Submissions (4):

CeGaT Center for Human Genetics Tuebingen
Classification: Uncertain significance. Last evaluated: 2026-08-01. Review status: criteria provided, single submitter. Criteria: CeGaT Center For Human Genetics Tuebingen Variant Classification Criteria Version 2. Collection method: clinical testing. Allele origin: germline. Affected: yes. Observed: 1 variant allele.
Comment: DYSF: PM2, PM5:Supporting

Revvity Omics, Revvity
Classification: Uncertain significance. Last evaluated: 2025-07-28. Review status: criteria provided, single submitter. Criteria: ACMG Guidelines, 2015. Collection method: clinical testing. Allele origin: germline.

Blueprint Genetics
Classification: Uncertain significance. Last evaluated: 2023-09-28. Review status: criteria provided, single submitter. Criteria: ACMG Guidelines, 2015. Collection method: clinical testing. Allele origin: germline.

Labcorp Genetics (formerly Invitae), Labcorp
Classification: Uncertain significance for Neuromuscular disease caused by qualitative or quantitative defects of dysferlin. Last evaluated: 2022-08-22. Review status: criteria provided, single submitter. Criteria: Invitae Variant Classification Sherloc (09022015). Collection method: clinical testing. Allele origin: germline.
Comment: This sequence change replaces aspartic acid, which is acidic and polar, with asparagine, which is neutral and polar, at codon 625 of the DYSF protein (p.Asp625Asn). This variant is present in population databases (rs121908960, gnomAD 0.01%). This variant has not been reported in the literature in individuals affected with DYSF-related conditions. Algorithms developed to predict the effect of missense changes on protein structure and function are either unavailable or do not agree on the potential impact of this missense change (SIFT: "Deleterious"; PolyPhen-2: "Probably Damaging"; Align-GVGD: "Class C0"). In summary, the available evidence is currently insufficient to determine the role of this variant in disease. Therefore, it has been classified as a Variant of Uncertain Significance.

NM_001130987.2(DYSF):c.1927G>A (p.Asp643Asn)

Gene: DYSF (dysferlin; plus strand). Cytogenetic location: 2p13.2.
Variant type: single nucleotide variant.
Coding change: c.1927G>A on transcript NM_001130987.2 (MANE Select); coding-DNA position 1927, G replaced by A.
Protein change: p.Asp643Asn; replaces aspartic acid 643 with asparagine.
Molecular consequence: missense variant.
Genome position (GRCh38, 1-based): chr2:71,553,131, G>A. VCF-style: chr2-71553131-G-A. GRCh37 (hg19) VCF-style: chr2-71780261-G-A.
Other names: c.1876G>A, p.Asp626Asn (NM_001130455.2, NM_001130983.2); c.1831G>A, p.Asp611Asn (NM_001130976.2, NM_001130977.2); c.1873G>A, p.Asp625Asn (NM_001130978.2, NM_003494.4); c.1966G>A, p.Asp656Asn (NM_001130979.2); c.1924G>A, p.Asp642Asn (NM_001130980.2, NM_001130981.2); c.1969G>A, p.Asp657Asn (NM_001130982.2); c.1834G>A, p.Asp612Asn (NM_001130984.2, NM_001130986.2); c.1927G>A, p.Asp643Asn (NM_001130985.2); short protein forms D611N, D657N, D625N, D626N, D642N, D656N, D643N, D612N.
Identifiers: ClinVar variation 2023880 (VCV002023880.6), dbSNP rs121908960, ClinGen allele CA1705980.